The following is an entry in ClinVar:

NM_015072.5(TTLL5):c.3666C>T (p.Cys1222=)

Gene: TTLL5 (tubulin tyrosine ligase like 5; plus strand). Cytogenetic location: 14q24.3.
Variant type: single nucleotide variant.
Coding change: c.3666C>T on transcript NM_015072.5 (MANE Select); coding-DNA position 3666, C replaced by T.
Protein change: p.Cys1222=; no amino-acid change (cysteine 1222 retained).
Molecular consequence: synonymous variant.
Genome position (GRCh38, 1-based): chr14:75,882,828, C>T. VCF-style: chr14-75882828-C-T. GRCh37 (hg19) VCF-style: chr14-76349171-C-T.
Other names: c.3666C>T (NM_015072.4).
Identifiers: ClinVar variation 1653870 (VCV001653870.10), dbSNP rs141359185, ClinGen allele CA7280100.

ClinVar aggregate classification (germline): Likely benign. Review status: criteria provided, multiple submitters, no conflicts (2 of 4 stars). 3 submissions from 3 submitters: Likely benign (3). Last evaluated 2025-01-06.

Conditions:
TTLL5-related disorder. Also called: TTLL5-related condition.

Allele frequency attached by ClinVar (database versions not stated): ExAC 0.00001; ESP Exome Variant Server 0.00008; gnomAD 0.00008 and 0.00010; TOPMed 0.00009.
gnomAD v4.1: 85 of 1,614,026 alleles (0.0053%); highest among the groups gnomAD compares: African/African-American, 0.0093%; no homozygotes.

Submissions (3):

PreventionGenetics, part of Exact Sciences
Classification: Likely benign for TTLL5-related condition. Last evaluated: 2025-01-06. Review status: criteria provided, single submitter. Criteria: ACMG Guidelines, 2015. Collection method: clinical testing. Allele origin: germline.
Comment: This variant is classified as likely benign based on ACMG/AMP sequence variant interpretation guidelines (Richards et al. 2015 PMID: 25741868, with internal and published modifications).

Labcorp Genetics (formerly Invitae), Labcorp
Classification: Likely benign. Last evaluated: 2024-06-26. Review status: criteria provided, single submitter. Criteria: Invitae Variant Classification Sherloc (09022015). Collection method: clinical testing. Allele origin: germline.

Blueprint Genetics
Classification: Likely benign. Last evaluated: 2022-06-03. Review status: criteria provided, single submitter. Criteria: ACMG Guidelines, 2015. Collection method: clinical testing. Allele origin: germline.